The following is an entry in ClinVar:

ClinVar aggregate classification (germline): Pathogenic (1 of 4 stars; one submission).

Submission:

Labcorp Genetics (formerly Invitae), Labcorp
Classification: Pathogenic. Last evaluated: 2025-01-06. Review status: criteria provided, single submitter. Criteria: Invitae Variant Classification Sherloc (09022015). Collection method: clinical testing. Allele origin: germline.
Comment: This sequence change creates a premature translational stop signal (p.Gln718Serfs*47) in the CDH23 gene. It is expected to result in an absent or disrupted protein product. Loss-of-function variants in CDH23 are known to be pathogenic (PMID: 11138009, 21940737). This variant is not present in population databases (gnomAD no frequency). This variant has not been reported in the literature in individuals affected with CDH23-related conditions. For these reasons, this variant has been classified as Pathogenic.

Literature cited by the submitters: PubMed 11138009; PubMed 21940737.

NM_022124.6(CDH23):c.2152del (p.Gln718fs)

Gene: CDH23 (cadherin related 23; plus strand). Cytogenetic location: 10q22.1.
Variant type: Deletion.
Coding change: c.2152del on transcript NM_022124.6 (MANE Select); coding-DNA position 2152, one base deleted (C; older notation c.2152delC).
Protein change: p.Gln718fs; shifts the reading frame from glutamine 718.
Molecular consequence: frameshift variant.
Genome position (GRCh38, 1-based): chr10:71,690,560, C deleted; the last of 3 consecutive C bases (chr10:71,690,558-71,690,560); deleting any one gives the same sequence. VCF-style (leftmost placement, unchanged base first): chr10-71690557-AC-A. GRCh37 (hg19) VCF-style: chr10-73450314-AC-A.
Other names: c.2152del, p.Gln718fs (NM_001171930.2, NM_001171931.2); short protein forms Q718fs.
Identifiers: ClinVar variation 3728596 (VCV003728596.2).